The following is an entry in ClinVar:

ClinVar aggregate classification (germline): Uncertain significance (1 of 4 stars; one submission).

Conditions:
Cardiovascular phenotype. Identifiers: MedGen CN230736.

Submission:

Ambry Genetics
Classification: Uncertain significance for Cardiovascular phenotype. Last evaluated: 2012-11-26. Review status: criteria provided, single submitter. Criteria: Ambry Autosomal Dominant and X-Linked criteria (10/2015). Collection method: clinical testing. Allele origin: germline. Observed: 1 variant allele.
Comment: There is insufficient or conflicting evidence for classification of this alteration.

NM_004100.5(EYA4):c.179G>T (p.Ser60Ile)

Gene: EYA4 (EYA transcriptional coactivator and phosphatase 4; plus strand). Cytogenetic location: 6q23.2.
Variant type: single nucleotide variant.
Coding change: c.179G>T on transcript NM_004100.5 (MANE Select); coding-DNA position 179, G replaced by T.
Protein change: p.Ser60Ile; replaces serine 60 with isoleucine.
Molecular consequence: missense variant.
Genome position (GRCh38, 1-based): chr6:133,446,725, G>T. VCF-style: chr6-133446725-G-T. GRCh37 (hg19) VCF-style: chr6-133767863-G-T.
Other names: c.179G>T, p.Ser60Ile (NM_001301012.2, NM_001301013.2, NM_001370458.1 and 3 more transcripts); short protein forms S60I.
Identifiers: ClinVar variation 263420 (VCV000263420.3), dbSNP rs886038799, ClinGen allele CA10587630.